The following is an entry in ClinVar:

ClinVar aggregate classification (germline): Pathogenic. Review status: criteria provided, multiple submitters, no conflicts (2 of 4 stars). 2 submissions from 2 submitters: Pathogenic (2). Last evaluated 2025-09-09.

Conditions:
Hereditary breast ovarian cancer syndrome. Also called: Hereditary breast and ovarian cancer syndrome; Hereditary breast and ovarian cancer syndrome (HBOC); BRCA1- and BRCA2-Associated Hereditary Breast and Ovarian Cancer; Hereditary breast and ovarian cancer; Breast and ovarian cancer; Hereditary breast and/or ovarian cancer syndrome. Identifiers: Orphanet 145, MedGen C0677776, MeSH D061325, MONDO:0003582. Disease mechanism: loss of function.

Submissions (2):

Quest Diagnostics Nichols Institute San Juan Capistrano
Classification: Pathogenic. Last evaluated: 2025-09-09. Review status: criteria provided, single submitter. Criteria: Quest Diagnostics criteria. Collection method: clinical testing. Allele origin: unknown.
Comment: The BRCA2 c.4074dup (p.Thr1359Tyrfs*2) variant alters the translational reading frame of the BRCA2 mRNA and causes the premature termination of BRCA2 protein synthesis. In the published literature, this variant has been reported in an individual with ovarian cancer (PMID: 38538877 (2024)). This variant has not been reported in large, multi-ethnic general populations (Genome Aggregation Database). Based on the available information, this variant is classified as pathogenic.

Labcorp Genetics (formerly Invitae), Labcorp
Classification: Pathogenic for Hereditary breast ovarian cancer syndrome. Last evaluated: 2023-10-16. Review status: criteria provided, single submitter. Criteria: Invitae Variant Classification Sherloc (09022015). Collection method: clinical testing. Allele origin: germline.
Comment: This sequence change creates a premature translational stop signal (p.Thr1359Tyrfs*2) in the BRCA2 gene. It is expected to result in an absent or disrupted protein product. Loss-of-function variants in BRCA2 are known to be pathogenic (PMID: 20104584). This variant is not present in population databases (gnomAD no frequency). This variant has not been reported in the literature in individuals affected with BRCA2-related conditions. For these reasons, this variant has been classified as Pathogenic.

Literature cited by the submitters: PubMed 38538877 (cited by Quest Diagnostics Nichols Institute San Juan Capistrano); PubMed 20104584 (cited by Labcorp Genetics (formerly Invitae), Labcorp).

NM_000059.4(BRCA2):c.4074dup (p.Thr1359fs)

Gene: BRCA2 (BRCA2 DNA repair associated; plus strand). Cytogenetic location: 13q13.1.
Variant type: Duplication.
Coding change: c.4074dup on transcript NM_000059.4 (MANE Select); coding-DNA position 4074, one base duplicated (T; older notation c.4074dupT).
Protein change: p.Thr1359fs; shifts the reading frame from threonine 1359.
Molecular consequence: frameshift variant. On other transcripts: non-coding transcript variant (1), intron variant (2).
Genome position (GRCh38, 1-based): chr13:32,338,429, T duplicated; the last of 3 consecutive T bases (chr13:32,338,427-32,338,429); duplicating any one gives the same sequence. VCF-style (leftmost placement, unchanged base first): chr13-32338426-A-AT. GRCh37 (hg19) VCF-style: chr13-32912563-A-AT.
Other names: c.4074dup, p.Thr1359fs (NM_001406719.1, NM_001406720.1); c.1909+5042dup (NM_001406721.1); c.425-6129dup (NM_001406722.1); short protein forms T1359fs.
Identifiers: ClinVar variation 2768908 (VCV002768908.4), dbSNP rs2137502661, ClinGen allele CA2697551725.